The following is an entry in ClinVar:

ClinVar aggregate classification (germline): Uncertain significance. Review status: criteria provided, multiple submitters, no conflicts (2 of 4 stars). 2 submissions from 2 submitters: Uncertain significance (2). Last evaluated 2025-07-21.

Conditions:
Cystic fibrosis (CF). Also called: MUCOVISCIDOSIS. Identifiers: Orphanet 586, MedGen C0010674, MONDO:0009061, OMIM 219700. Disease mechanism: loss of function.

gnomAD v4.1: 1 of 1,613,980 alleles (0.000062%); highest among the groups gnomAD compares: Non-Finnish European, 0.000085%; no homozygotes.

Submissions (2):

Labcorp Genetics (formerly Invitae), Labcorp
Classification: Uncertain significance for Cystic fibrosis. Last evaluated: 2025-07-21. Review status: criteria provided, single submitter. Criteria: Invitae Variant Classification Sherloc (09022015). Collection method: clinical testing. Allele origin: germline.
Comment: This sequence change replaces aspartic acid, which is acidic and polar, with valine, which is neutral and non-polar, at codon 674 of the CFTR protein (p.Asp674Val). This variant is present in population databases (rs765043844, gnomAD 0.002%). This variant has not been reported in the literature in individuals affected with CFTR-related conditions. ClinVar contains an entry for this variant (Variation ID: 3832544). Invitae Evidence Modeling of protein sequence and biophysical properties (such as structural, functional, and spatial information, amino acid conservation, physicochemical variation, residue mobility, and thermodynamic stability) indicates that this missense variant is not expected to disrupt CFTR protein function with a negative predictive value of 80%. In summary, the available evidence is currently insufficient to determine the role of this variant in disease. Therefore, it has been classified as a Variant of Uncertain Significance.

Ambry Genetics
Classification: Uncertain significance for Cystic fibrosis. Last evaluated: 2025-02-07. Review status: criteria provided, single submitter. Criteria: Ambry Variant Classification Scheme 2023. Collection method: clinical testing. Allele origin: germline.
Comment: The p.D674V variant (also known as c.2021A>T), located in coding exon 14 of the CFTR gene, results from an A to T substitution at nucleotide position 2021. The aspartic acid at codon 674 is replaced by valine, an amino acid with highly dissimilar properties. This amino acid position is not well conserved in available vertebrate species. In addition, the in silico prediction for this alteration is inconclusive. Based on the available evidence, the clinical significance of this variant remains unclear.

NM_000492.4(CFTR):c.2021A>T (p.Asp674Val)

Gene: CFTR (CF transmembrane conductance regulator; plus strand). Cytogenetic location: 7q31.2.
Variant type: single nucleotide variant.
Coding change: c.2021A>T on transcript NM_000492.4 (MANE Select); coding-DNA position 2021, A replaced by T.
Protein change: p.Asp674Val; replaces aspartic acid 674 with valine.
Molecular consequence: missense variant.
Genome position (GRCh38, 1-based): chr7:117,592,188, A>T. VCF-style: chr7-117592188-A-T. GRCh37 (hg19) VCF-style: chr7-117232242-A-T.
Other names: short protein forms D674V.
Identifiers: ClinVar variation 3832544 (VCV003832544.2).